The following is an entry in ClinVar:

ClinVar aggregate classification (germline): Uncertain significance (1 of 4 stars; one submission).

Submission:

Labcorp Genetics (formerly Invitae), Labcorp
Classification: Uncertain significance. Last evaluated: 2022-11-08. Review status: criteria provided, single submitter. Criteria: Invitae Variant Classification Sherloc (09022015). Collection method: clinical testing. Allele origin: germline.
Comment: This variant has not been reported in the literature in individuals affected with TUBGCP6-related conditions. This variant is not present in population databases (gnomAD no frequency). This sequence change replaces methionine, which is neutral and non-polar, with isoleucine, which is neutral and non-polar, at codon 553 of the TUBGCP6 protein (p.Met553Ile). Algorithms developed to predict the effect of missense changes on protein structure and function are either unavailable or do not agree on the potential impact of this missense change (SIFT: "Tolerated"; PolyPhen-2: "Possibly Damaging"; Align-GVGD: "Class C0"). In summary, the available evidence is currently insufficient to determine the role of this variant in disease. Therefore, it has been classified as a Variant of Uncertain Significance.

NM_020461.4(TUBGCP6):c.1659G>A (p.Met553Ile)

Gene: TUBGCP6 (tubulin gamma complex component 6; minus strand). Cytogenetic location: 22q13.33.
Variant type: single nucleotide variant.
Coding change: c.1659G>A on transcript NM_020461.4 (MANE Select); coding-DNA position 1659, G replaced by A.
Protein change: p.Met553Ile; replaces methionine 553 with isoleucine.
Molecular consequence: missense variant.
Genome position (GRCh38, 1-based): chr22:50,226,321, C>T on the plus strand (G>A on the coding strand, the complement: TUBGCP6 is on the minus strand). VCF-style: chr22-50226321-C-T. GRCh37 (hg19) VCF-style: chr22-50664750-C-T.
Other names: short protein forms M553I.
Identifiers: ClinVar variation 2131967 (VCV002131967.4), dbSNP rs2147188557, ClinGen allele CA412106126.